The following is an entry in ClinVar:

ClinVar aggregate classification (germline): Pathogenic. Review status: criteria provided, single submitter (1 of 4 stars). 2 submissions from 2 submitters: Pathogenic (1). 1 of the submissions does not count toward it. Last evaluated 2024-08-29.

Conditions:
Gorlin syndrome. Also called: Nevoid Basal Cell Carcinoma Syndrome; Basal cell nevus syndrome. Identifiers: Orphanet 377, MedGen C0004779, MONDO:0007187.
Congenital hydrocephalus. Identifiers: Orphanet 2185, MedGen C0020256, MONDO:0016349.

Submissions (2):

Labcorp Genetics (formerly Invitae), Labcorp
Classification: Pathogenic for Gorlin syndrome. Last evaluated: 2024-08-29. Review status: criteria provided, single submitter. Criteria: Invitae Variant Classification Sherloc (09022015). Collection method: clinical testing. Allele origin: germline.
Comment: This sequence change creates a premature translational stop signal (p.Leu664Argfs*27) in the PTCH1 gene. It is expected to result in an absent or disrupted protein product. Loss-of-function variants in PTCH1 are known to be pathogenic (PMID: 16301862, 16419085). This variant is not present in population databases (gnomAD no frequency). This premature translational stop signal has been observed in individual(s) with congenital hydrocephalus (PMID: 29983323). ClinVar contains an entry for this variant (Variation ID: 684696). For these reasons, this variant has been classified as Pathogenic.

Yale Center for Mendelian Genomics, Yale University
Classification: Likely pathogenic for Congenital hydrocephalus. Last evaluated: 2018-07-05. Review status: no assertion criteria provided. Collection method: literature only. Allele origin: germline. Affected: yes. Observed: 1 heterozygote. Not counted in ClinVar's aggregate classification.

Literature cited by the submitters: PubMed 16301862 (cited by Labcorp Genetics (formerly Invitae), Labcorp); PubMed 16419085 (cited by Labcorp Genetics (formerly Invitae), Labcorp); PubMed 29983323 (cited by Labcorp Genetics (formerly Invitae), Labcorp and Yale Center for Mendelian Genomics, Yale University).

NM_000264.5(PTCH1):c.1991_1997del (p.Leu664fs)

Genes: PTCH1 (patched 1; minus strand), LOC100507346 (uncharacterized LOC100507346; plus strand). Cytogenetic location: 9q22.32.
Variant type: Deletion.
Coding change: c.1991_1997del on transcript NM_000264.5 (MANE Select); coding-DNA positions 1991 to 1997, 7 bases deleted (TCCGCAC; older notation c.1991_1997delTCCGCAC).
Protein change: p.Leu664fs; shifts the reading frame from leucine 664.
Molecular consequence: frameshift variant. On other transcripts: non-coding transcript variant (2).
Genome position (GRCh38, 1-based): chr9:95,469,004-95,469,010, GTGCGGA deleted on the plus strand (TCCGCAC on the coding strand, the reverse complement: PTCH1 is on the minus strand); deleting any 7 consecutive bases within chr9:95,469,004-95,469,011 gives the same sequence; the c. name uses the placement nearest the transcript's 3' end. VCF-style (leftmost placement, unchanged base first): chr9-95469003-CGTGCGGA-C. GRCh37 (hg19) VCF-style: chr9-98231285-CGTGCGGA-C.
Other names: c.1793_1799del, p.Leu598fs (NM_001083602.3); c.1988_1994del, p.Leu663fs (NM_001083603.3); c.1538_1544del, p.Leu513fs (NM_001083604.3, NM_001083605.3, NM_001083606.3 and 1 more transcripts); c.1835_1841del, p.Leu612fs (NM_001354918.2); short protein forms L513fs, L598fs, L663fs, L612fs, L664fs.
Identifiers: ClinVar variation 684696 (VCV000684696.3), dbSNP rs1588574984, ClinGen allele CA915947050.